The following is an entry in ClinVar:

ClinVar aggregate classification (germline): Uncertain significance (1 of 4 stars; one submission).

Allele frequency attached by ClinVar (database versions not stated): TOPMed below 0.00001.

Submission:

GeneDx
Classification: Uncertain significance. Last evaluated: 2012-07-05. Review status: criteria provided, single submitter. Criteria: GeneDx Variant Classification (06012015). Collection method: clinical testing. Allele origin: germline. Affected: yes.
Comment: p.Ser148Phe (TCC>TTC): c.443 C>T in exon 4 of the CTSD gene (NM_001909.3). This S148F missense change has not been published as a mutation, nor has it been reported as a benign polymorphism to our knowledge. The NHLBI ESP Exome Variant Project has not identified Ser148Phe in approximately 5,000 individuals of European or African American ethnicity, indicating that it is not a common benign variant in these populations. The amino acid substitution is non-conservative as a polar Serine residue is replaced by a non-polar Phenylalanine residue. Ser148Phe alters a position that is highly conserved across species and in related proteins. Multiple in silico algorithms predict it is damaging to protein structure/function. However, pathogenic mutations in CTSD are rare, and none has been reported in this region of the gene. Based on the currently available information, the clinical significance of Ser148Phe remains unknown, although Ser148Phe appears a good candidate for a disease-causing mutation. The variant is found in INFANT-EPI panel(s).

NM_001909.5(CTSD):c.443C>T (p.Ser148Phe)

Gene: CTSD (cathepsin D; minus strand). Cytogenetic location: 11p15.5.
Variant type: single nucleotide variant.
Coding change: c.443C>T on transcript NM_001909.5 (MANE Select); coding-DNA position 443, C replaced by T.
Protein change: p.Ser148Phe; replaces serine 148 with phenylalanine.
Molecular consequence: missense variant.
Genome position (GRCh38, 1-based): chr11:1,758,997, G>A on the plus strand (C>T on the coding strand, the complement: CTSD is on the minus strand). VCF-style: chr11-1758997-G-A. GRCh37 (hg19) VCF-style: chr11-1780227-G-A.
Other names: p.S148F:TCC>TTC; short protein forms S148F.
Identifiers: ClinVar variation 205352 (VCV000205352.2), dbSNP rs796052402, ClinGen allele CA314346.